The following is an entry in ClinVar:

NM_001356.5(DDX3X):c.1183G>A (p.Asp395Asn)

Gene: DDX3X (DEAD-box helicase 3 X-linked; plus strand). Cytogenetic location: Xp11.4.
Variant type: single nucleotide variant.
Coding change: c.1183G>A on transcript NM_001356.5 (MANE Select); coding-DNA position 1183, G replaced by A.
Protein change: p.Asp395Asn; replaces aspartic acid 395 with asparagine.
Molecular consequence: missense variant. On other transcripts: non-coding transcript variant (1).
Genome position (GRCh38, 1-based): chrX:41,345,416, G>A. VCF-style: chrX-41345416-G-A. GRCh37 (hg19) VCF-style: chrX-41204669-G-A.
Other names: c.1183G>A, p.Asp395Asn (NM_001193416.3); c.1135G>A, p.Asp379Asn (NM_001193417.3); c.625G>A, p.Asp209Asn (NM_001363819.1); short protein forms D209N, D379N, D395N.
Identifiers: ClinVar variation 4795337 (VCV004795337.1).

ClinVar aggregate classification (germline): Pathogenic (1 of 4 stars; one submission).

Submission:

GeneDx
Classification: Pathogenic. Last evaluated: 2025-08-14. Review status: criteria provided, single submitter. Criteria: GeneDx Variant Classification Process June 2021. Collection method: clinical testing. Allele origin: germline. Affected: yes.
Comment: Has not been previously published as pathogenic or benign to our knowledge; Not observed at significant frequency in large population cohorts (gnomAD); In silico analysis supports that this missense variant has a deleterious effect on protein structure/function